The following is an entry in ClinVar:

NM_006859.4(LIAS):c.44G>A (p.Arg15Gln)

Genes: LIAS (lipoic acid synthetase; plus strand), LOC112939935 (Sharpr-MPRA regulatory region 11886; plus strand). Cytogenetic location: 4p14.
Variant type: single nucleotide variant.
Coding change: c.44G>A on transcript NM_006859.4 (MANE Select); coding-DNA position 44, G replaced by A.
Protein change: p.Arg15Gln; replaces arginine 15 with glutamine.
Molecular consequence: missense variant.
Genome position (GRCh38, 1-based): chr4:39,459,161, G>A. VCF-style: chr4-39459161-G-A. GRCh37 (hg19) VCF-style: chr4-39460781-G-A.
Other names: c.44G>A, p.Arg15Gln (NM_001278590.2, NM_001278591.2, NM_001278592.2 and 2 more transcripts); short protein forms R15Q.
Identifiers: ClinVar variation 1397139 (VCV001397139.5), dbSNP rs184218786, ClinGen allele CA2894543.

ClinVar aggregate classification (germline): Uncertain significance (1 of 4 stars; one submission).

Conditions:
Lipoic acid synthetase deficiency. Also called: HYPERGLYCINEMIA, LACTIC ACIDOSIS, AND SEIZURES. Identifiers: Orphanet 401859, MedGen C3280887, MONDO:0013762, OMIM 614462.

Allele frequency attached by ClinVar (database versions not stated): gnomAD 0.00001.
gnomAD v4.1: 5 of 1,612,758 alleles (0.00031%); highest among the groups gnomAD compares: South Asian, 0.0044%; no homozygotes.

Submission:

Labcorp Genetics (formerly Invitae), Labcorp
Classification: Uncertain significance for Lipoic acid synthetase deficiency. Last evaluated: 2022-08-16. Review status: criteria provided, single submitter. Criteria: Invitae Variant Classification Sherloc (09022015). Collection method: clinical testing. Allele origin: germline.
Comment: This sequence change replaces arginine, which is basic and polar, with glutamine, which is neutral and polar, at codon 15 of the LIAS protein (p.Arg15Gln). This variant is present in population databases (rs184218786, gnomAD 0.007%). This variant has not been reported in the literature in individuals affected with LIAS-related conditions. ClinVar contains an entry for this variant (Variation ID: 1397139). Algorithms developed to predict the effect of missense changes on protein structure and function output the following: SIFT: "Tolerated"; PolyPhen-2: "Benign"; Align-GVGD: "Class C0". The glutamine amino acid residue is found in multiple mammalian species, which suggests that this missense change does not adversely affect protein function. Algorithms developed to predict the effect of sequence changes on RNA splicing suggest that this variant may create or strengthen a splice site. In summary, the available evidence is currently insufficient to determine the role of this variant in disease. Therefore, it has been classified as a Variant of Uncertain Significance.